The following is an entry in ClinVar:

NM_003640.5(ELP1):c.3880A>G (p.Asn1294Asp)

Gene: ELP1 (elongator acetyltransferase complex subunit 1; minus strand). Cytogenetic location: 9q31.3.
Variant type: single nucleotide variant.
Coding change: c.3880A>G on transcript NM_003640.5 (MANE Select); coding-DNA position 3880, A replaced by G.
Protein change: p.Asn1294Asp; replaces asparagine 1294 with aspartic acid.
Molecular consequence: missense variant.
Genome position (GRCh38, 1-based): chr9:108,874,946, T>C on the plus strand (A>G on the coding strand, the complement: ELP1 is on the minus strand). VCF-style: chr9-108874946-T-C. GRCh37 (hg19) VCF-style: chr9-111637226-T-C.
Other names: c.3538A>G, p.Asn1180Asp (NM_001318360.2); c.2833A>G, p.Asn945Asp (NM_001330749.2); short protein forms N1180D, N1294D, N945D.
Identifiers: ClinVar variation 1799965 (VCV001799965.2), dbSNP rs770891146, ClinGen allele CA5174145.

ClinVar aggregate classification (germline): Uncertain significance (1 of 4 stars; one submission).

Allele frequency attached by ClinVar (database versions not stated): ExAC 0.00002; gnomAD 0.00002; TOPMed 0.00004.
gnomAD v4.1: 11 of 1,612,362 alleles (0.00068%); highest among the groups gnomAD compares: African/African-American, 0.0053%; no homozygotes.

Submission:

Ambry Genetics
Classification: Uncertain significance. Last evaluated: 2022-09-22. Review status: criteria provided, single submitter. Criteria: Ambry Variant Classification Scheme 2023. Collection method: clinical testing. Allele origin: germline.
Comment: The p.N1294D variant (also known as c.3880A>G), located in coding exon 35 of the IKBKAP gene, results from an A to G substitution at nucleotide position 3880. The asparagine at codon 1294 is replaced by aspartic acid, an amino acid with highly similar properties. This amino acid position is conserved. In addition, this alteration is predicted to be tolerated by in silico analysis. Since supporting evidence is limited at this time, the clinical significance of this alteration remains unclear.